The following is an entry in ClinVar:

NM_001378454.1(ALMS1):c.7801C>T (p.Pro2601Ser)

Gene: ALMS1 (ALMS1 centrosome and basal body associated protein; plus strand). Cytogenetic location: 2p13.1.
Variant type: single nucleotide variant.
Coding change: c.7801C>T on transcript NM_001378454.1 (MANE Select); coding-DNA position 7801, C replaced by T.
Protein change: p.Pro2601Ser; replaces proline 2601 with serine.
Molecular consequence: missense variant.
Genome position (GRCh38, 1-based): chr2:73,489,760, C>T. VCF-style: chr2-73489760-C-T. GRCh37 (hg19) VCF-style: chr2-73716887-C-T.
Other names: c.7804C>T, p.Pro2602Ser (NM_015120.4); short protein forms P2602S, P2601S.
Identifiers: ClinVar variation 459888 (VCV000459888.8), dbSNP rs1553409608, ClinGen allele CA347264097.

ClinVar aggregate classification (germline): Uncertain significance. Review status: criteria provided, multiple submitters, no conflicts (2 of 4 stars). 2 submissions from 2 submitters: Uncertain significance (2). Last evaluated 2025-08-11.

Conditions:
Alstrom syndrome (ALMS). Identifiers: Orphanet 64, MedGen C0268425, MONDO:0008763, OMIM 203800.

Allele frequency attached by ClinVar (database versions not stated): gnomAD exomes below 0.00001.
gnomAD v4.1: 6 of 1,614,084 alleles (0.00037%); highest among the groups gnomAD compares: East Asian, 0.0022%; no homozygotes.

Submissions (2):

GeneDx
Classification: Uncertain significance. Last evaluated: 2025-08-11. Review status: criteria provided, single submitter. Criteria: GeneDx Variant Classification Process June 2021. Collection method: clinical testing. Allele origin: germline.
Comment: Not observed at significant frequency in large population cohorts (gnomAD); In silico analysis suggests that this missense variant does not alter protein structure/function; Has not been previously published as pathogenic or benign to our knowledge

Labcorp Genetics (formerly Invitae), Labcorp
Classification: Uncertain significance for Alstrom syndrome. Last evaluated: 2022-06-20. Review status: criteria provided, single submitter. Criteria: Invitae Variant Classification Sherloc (09022015). Collection method: clinical testing. Allele origin: germline.
Comment: This sequence change replaces proline, which is neutral and non-polar, with serine, which is neutral and polar, at codon 2602 of the ALMS1 protein (p.Pro2602Ser). This variant is not present in population databases (gnomAD no frequency). This variant has not been reported in the literature in individuals affected with ALMS1-related conditions. ClinVar contains an entry for this variant (Variation ID: 459888). In summary, the available evidence is currently insufficient to determine the role of this variant in disease. Therefore, it has been classified as a Variant of Uncertain Significance.